The following is an entry in ClinVar:

NM_004360.5(CDH1):c.2350C>T (p.Arg784Cys)

Gene: CDH1 (cadherin 1; plus strand). Cytogenetic location: 16q22.1.
Variant type: single nucleotide variant.
Coding change: c.2350C>T on transcript NM_004360.5 (MANE Select); coding-DNA position 2350, C replaced by T.
Protein change: p.Arg784Cys; replaces arginine 784 with cysteine.
Molecular consequence: missense variant.
Genome position (GRCh38, 1-based): chr16:68,829,708, C>T. VCF-style: chr16-68829708-C-T. GRCh37 (hg19) VCF-style: chr16-68863611-C-T.
Other names: c.2350C>T (LRG_301t1); c.2167C>T, p.Arg723Cys (NM_001317184.2); c.802C>T, p.Arg268Cys (NM_001317185.2); c.385C>T, p.Arg129Cys (NM_001317186.2); short protein forms R784C, R129C, R268C, R723C.
Identifiers: ClinVar variation 233549 (VCV000233549.17), dbSNP rs775922721, ClinGen allele CA8130262.

ClinVar aggregate classification (germline): Uncertain significance. Review status: criteria provided, multiple submitters, no conflicts (2 of 4 stars). 6 submissions from 6 submitters: Uncertain significance (6). Last evaluated 2025-11-17.

Conditions:
CDH1-related diffuse gastric and lobular breast cancer syndrome. Also called: CDH1-related diffuse gastric and lobular breast cancer. Identifiers: MedGen CN311521, MONDO:0100488.
Hereditary cancer-predisposing syndrome. Also called: Tumor predisposition; Hereditary Cancer Syndrome; Hereditary neoplastic syndrome; Neoplastic Syndromes, Hereditary. Identifiers: Orphanet 140162, MedGen C0027672, MeSH D009386, MONDO:0015356.
Hereditary diffuse gastric adenocarcinoma (HDGC). Also called: DIFFUSE GASTRIC AND LOBULAR BREAST CANCER SYNDROME. Identifiers: Orphanet 26106, MedGen C1708349, MONDO:0007648, OMIM 137215.

Allele frequency attached by ClinVar (database versions not stated): ExAC 0.00001; gnomAD 0.00001 and 0.00003; gnomAD exomes 0.00001.
gnomAD v4.1: 4 of 1,613,972 alleles (0.00025%); highest among the groups gnomAD compares: Non-Finnish European, 0.00034%; no homozygotes.

Submissions (6):

Labcorp Genetics (formerly Invitae), Labcorp
Classification: Uncertain significance for Hereditary diffuse gastric adenocarcinoma. Last evaluated: 2025-11-17. Review status: criteria provided, single submitter. Criteria: Invitae Variant Classification Sherloc (09022015). Collection method: clinical testing. Allele origin: germline.
Comment: This sequence change replaces arginine, which is basic and polar, with cysteine, which is neutral and slightly polar, at codon 784 of the CDH1 protein (p.Arg784Cys). This variant is present in population databases (rs775922721, gnomAD 0.002%). This missense change has been observed in individual(s) with hereditary cancer (PMID: 31159747). ClinVar contains an entry for this variant (Variation ID: 233549). An algorithm developed to predict the effect of missense changes on protein structure and function (PolyPhen-2) suggests that this variant is likely to be disruptive. In summary, the available evidence is currently insufficient to determine the role of this variant in disease. Therefore, it has been classified as a Variant of Uncertain Significance.

Center for Genomic Medicine, Rigshospitalet, Copenhagen University Hospital
Classification: Uncertain significance. Last evaluated: 2025-03-04. Review status: criteria provided, single submitter. Criteria: ACMG Guidelines, 2015. Collection method: clinical testing. Allele origin: germline.

Color Diagnostics, LLC DBA Color Health
Classification: Uncertain significance for Hereditary cancer-predisposing syndrome. Last evaluated: 2024-11-18. Review status: criteria provided, single submitter. Criteria: ACMG Guidelines, 2015. Collection method: clinical testing. Allele origin: germline.
Comment: This missense variant replaces arginine with cysteine at codon 784 of the CDH1 protein. To our knowledge, functional studies have not been reported for this variant. This variant has not been reported in individuals affected with CDH1-related disorders in the literature. This variant has been identified in 3/282836 chromosomes in the general population by the Genome Aggregation Database (gnomAD). The available evidence is insufficient to determine the role of this variant in disease conclusively. Therefore, this variant is classified as a Variant of Uncertain Significance.

Ambry Genetics
Classification: Uncertain significance for Hereditary cancer-predisposing syndrome. Last evaluated: 2024-10-10. Review status: criteria provided, single submitter. Criteria: Ambry Variant Classification Scheme 2023. Collection method: clinical testing. Allele origin: germline.
Comment: The p.R784C variant (also known as c.2350C>T), located in coding exon 15 of the CDH1 gene, results from a C to T substitution at nucleotide position 2350. The arginine at codon 784 is replaced by cysteine, an amino acid with highly dissimilar properties. This alteration has been reported in 1/1197 individuals from Greece, Romania, and Turkey undergoing evaluation for inherited cancer predisposition (Tsaousis GN et al. BMC Cancer, 2019 Jun;19:535). This amino acid position is highly conserved in available vertebrate species. In addition, this alteration is predicted to be deleterious by in silico analysis. Based on the available evidence, the clinical significance of this variant remains unclear.

Department of Pathology and Laboratory Medicine, Sinai Health System
Classification: Uncertain significance for CDH1-related diffuse gastric and lobular breast cancer syndrome. Last evaluated: 2023-10-24. Review status: criteria provided, single submitter. Criteria: ACMG Guidelines, 2015. Collection method: clinical testing. Allele origin: germline. Affected: no.

GeneKor MSA
Classification: Uncertain significance for Hereditary cancer-predisposing syndrome. Last evaluated: 2018-08-01. Review status: criteria provided, single submitter. Criteria: ACMG Guidelines, 2015. Collection method: clinical testing. Allele origin: germline. Affected: yes.

Literature cited by the submitters: PubMed 31159747 (cited by 3 submitters).